The following is an entry in ClinVar:

ClinVar aggregate classification (germline): Pathogenic/Likely pathogenic. Review status: criteria provided, multiple submitters, no conflicts (2 of 4 stars). 3 submissions from 3 submitters: Pathogenic (1); Likely pathogenic (2). Last evaluated 2025-05-14.

Conditions:
Glycogen storage disease, type IV (GSD4). Also called: Glycogen storage disease due to glycogen branching enzyme deficiency; AMYLOPECTINOSIS; ANDERSEN DISEASE; BRANCHER DEFICIENCY; CIRRHOSIS, FAMILIAL, WITH DEPOSITION OF ABNORMAL GLYCOGEN; GBE1 DEFICIENCY. Identifiers: Orphanet 367, MedGen C0017923, MONDO:0009292, OMIM 232500.
Glycogen storage disease IV, classic hepatic. Also called: GSD IV, CLASSIC HEPATIC. Identifiers: MedGen C1856301.

Submissions (3):

Revvity Omics, Revvity
Classification: Likely pathogenic. Last evaluated: 2025-05-14. Review status: criteria provided, single submitter. Criteria: ACMG Guidelines, 2015. Collection method: clinical testing. Allele origin: germline.

Baylor Genetics
Classification: Likely pathogenic for Glycogen storage disease, type IV. Last evaluated: 2023-09-26. Review status: criteria provided, single submitter. Criteria: ACMG Guidelines, 2015. Collection method: clinical testing. Allele origin: unknown.

Labcorp Genetics (formerly Invitae), Labcorp
Classification: Pathogenic for Glycogen storage disease, type IV; Glycogen storage disease IV, classic hepatic. Last evaluated: 2023-06-21. Review status: criteria provided, single submitter. Criteria: Invitae Variant Classification Sherloc (09022015). Collection method: clinical testing. Allele origin: germline.
Comment: This sequence change creates a premature translational stop signal (p.Tyr112*) in the GBE1 gene. It is expected to result in an absent or disrupted protein product. Loss-of-function variants in GBE1 are known to be pathogenic (PMID: 15452297, 20058079). For these reasons, this variant has been classified as Pathogenic. ClinVar contains an entry for this variant (Variation ID: 952612). This variant is not present in population databases (gnomAD no frequency). This variant has not been reported in the literature in individuals affected with GBE1-related conditions.

Literature cited by the submitters: PubMed 15452297 (cited by Labcorp Genetics (formerly Invitae), Labcorp); PubMed 20058079 (cited by Labcorp Genetics (formerly Invitae), Labcorp).

NM_000158.4(GBE1):c.336C>A (p.Tyr112Ter)

Gene: GBE1 (1,4-alpha-glucan branching enzyme 1; minus strand). Cytogenetic location: 3p12.2.
Variant type: single nucleotide variant.
Coding change: c.336C>A on transcript NM_000158.4 (MANE Select); coding-DNA position 336, C replaced by A.
Protein change: p.Tyr112Ter; replaces tyrosine 112 with a stop codon.
Molecular consequence: nonsense.
Genome position (GRCh38, 1-based): chr3:81,670,931, G>T on the plus strand (C>A on the coding strand, the complement: GBE1 is on the minus strand). VCF-style: chr3-81670931-G-T. GRCh37 (hg19) VCF-style: chr3-81720082-G-T.
Other names: short protein forms Y112*.
Identifiers: ClinVar variation 952612 (VCV000952612.8), dbSNP rs773473771, ClinGen allele CA353689016.